The following is an entry in ClinVar:

NM_002497.4(NEK2):c.545A>G (p.Tyr182Cys)

Gene: NEK2 (NIMA related kinase 2; minus strand). Cytogenetic location: 1q32.3.
Variant type: single nucleotide variant.
Coding change: c.545A>G on transcript NM_002497.4 (MANE Select); coding-DNA position 545, A replaced by G.
Protein change: p.Tyr182Cys; replaces tyrosine 182 with cysteine.
Molecular consequence: missense variant.
Genome position (GRCh38, 1-based): chr1:211,673,493, T>C on the plus strand (A>G on the coding strand, the complement: NEK2 is on the minus strand). VCF-style: chr1-211673493-T-C. GRCh37 (hg19) VCF-style: chr1-211846835-T-C.
Other names: c.545A>G, p.Tyr182Cys (NM_001204182.2, NM_001204183.2); short protein forms Y182C.
Identifiers: ClinVar variation 1515287 (VCV001515287.8), dbSNP rs2102447087, ClinGen allele CA344783088.
Genomic context (GRCh38, chr1:211,673,493, plus strand): 5'-AACAAAAATAAAAGATGTTTTAAAAAGTAGCTAAATTCTGAAATACTTACAGGAGACATG[T>C]AATAAGGTGTGCCAACAAATGTTTTTGCAAAACTCGTGTCATGGTTTAATATTCTAGCTA-3'
Protein context (NP_002488.1, residues 172-192): FAKTFVGTPY[Tyr182Cys]MSPEQMNRMS

ClinVar aggregate classification (germline): Uncertain significance (1 of 4 stars; one submission).

Submission:

Labcorp Genetics (formerly Invitae), Labcorp
Classification: Uncertain significance. Last evaluated: 2021-03-09. Review status: criteria provided, single submitter. Criteria: Invitae Variant Classification Sherloc (09022015). Collection method: clinical testing. Allele origin: germline.
Comment: This variant has not been reported in the literature in individuals with NEK2-related conditions. In summary, the available evidence is currently insufficient to determine the role of this variant in disease. Therefore, it has been classified as a Variant of Uncertain Significance. Algorithms developed to predict the effect of missense changes on protein structure and function are either unavailable or do not agree on the potential impact of this missense change (SIFT: "Deleterious"; PolyPhen-2: "Probably Damaging"; Align-GVGD: "Class C0"). This variant is not present in population databases (ExAC no frequency). This sequence change replaces tyrosine with cysteine at codon 182 of the NEK2 protein (p.Tyr182Cys). The tyrosine residue is highly conserved and there is a large physicochemical difference between tyrosine and cysteine.